The following is an entry in ClinVar:

ClinVar aggregate classification (germline): Pathogenic/Likely pathogenic. Review status: criteria provided, multiple submitters, no conflicts (2 of 4 stars). 9 submissions from 9 submitters: Pathogenic (7); Likely pathogenic (2). Last evaluated 2025-06-15.

Conditions:
CHEK2-related disorder.
Hereditary cancer-predisposing syndrome. Also called: Tumor predisposition; Neoplastic Syndromes, Hereditary; Hereditary neoplastic syndrome; Hereditary Cancer Syndrome. Identifiers: Orphanet 140162, MedGen C0027672, MeSH D009386, MONDO:0015356.
Familial cancer of breast. Also called: BREAST CANCER, FAMILIAL; hereditary breast carcinoma; Hereditary breast cancer. Identifiers: Orphanet 227535, MedGen C0346153, MONDO:0016419, OMIM 114480. Disease mechanism: loss of function.

Allele frequency attached by ClinVar (database versions not stated): ExAC 0.00001; gnomAD exomes 0.00001.
gnomAD v4.1: 13 of 1,606,338 alleles (0.00081%); highest among the groups gnomAD compares: African/African-American, 0.0013%; no homozygotes.

Submissions (9):

Labcorp Genetics (formerly Invitae), Labcorp
Classification: Pathogenic for Familial cancer of breast. Last evaluated: 2025-06-15. Review status: criteria provided, single submitter. Criteria: Invitae Variant Classification Sherloc (09022015). Collection method: clinical testing. Allele origin: germline.
Comment: This sequence change creates a premature translational stop signal (p.Tyr337*) in the CHEK2 gene. It is expected to result in an absent or disrupted protein product. Loss-of-function variants in CHEK2 are known to be pathogenic (PMID: 21876083, 24713400). This variant is present in population databases (rs760502479, gnomAD 0.007%). This variant has not been reported in the literature in individuals affected with CHEK2-related conditions. ClinVar contains an entry for this variant (Variation ID: 185370). RNA analysis performed to evaluate the impact of this premature translational stop signal on mRNA splicing indicates it does not significantly alter splicing (internal data). For these reasons, this variant has been classified as Pathogenic.

Ambry Genetics
Classification: Pathogenic for Hereditary cancer-predisposing syndrome. Last evaluated: 2025-06-02. Review status: criteria provided, single submitter. Criteria: Ambry Variant Classification Scheme 2023. Collection method: clinical testing. Allele origin: germline.
Comment: The p.Y337* pathogenic mutation (also known as c.1011C>A), located in coding exon 9 of the CHEK2 gene, results from a C to A substitution at nucleotide position 1011. This changes the amino acid from a tyrosine to a stop codon within coding exon 9. This alteration is expected to result in loss of function by premature protein truncation or nonsense-mediated mRNA decay. As such, this alteration is interpreted as a disease-causing mutation.

Color Diagnostics, LLC DBA Color Health
Classification: Pathogenic for Hereditary cancer-predisposing syndrome. Last evaluated: 2024-11-04. Review status: criteria provided, single submitter. Criteria: ACMG Guidelines, 2015. Collection method: clinical testing. Allele origin: germline.
Comment: This variant changes 1 nucleotide in exon 10 of the CHEK2 gene, creating a premature translation stop signal. This variant is expected to result in an absent or non-functional protein product. To our knowledge, this variant has not been reported in individuals affected with CHEK2-related disorders in the literature. This variant has been identified in 2/251042 chromosomes in the general population by the Genome Aggregation Database (gnomAD). Loss of CHEK2 function is a known mechanism of disease. Based on the available evidence, this variant is classified as Pathogenic.

Myriad Genetics, Inc.
Classification: Pathogenic for Familial cancer of breast. Last evaluated: 2023-06-27. Review status: criteria provided, single submitter. Criteria: Myriad Autosomal Dominant, Autosomal Recessive and X-Linked Classification Criteria (2023). Collection method: clinical testing. Allele origin: unknown.
Comment: This variant is considered pathogenic. This variant creates a termination codon and is predicted to result in premature protein truncation.

Baylor Genetics
Classification: Likely pathogenic for Familial cancer of breast. Last evaluated: 2023-05-18. Review status: criteria provided, single submitter. Criteria: ACMG Guidelines, 2015. Collection method: clinical testing. Allele origin: unknown.

Mayo Clinic Laboratories, Mayo Clinic
Classification: Pathogenic. Last evaluated: 2023-04-24. Review status: criteria provided, single submitter. Criteria: ACMG Guidelines, 2015. Collection method: clinical testing. Allele origin: germline. Observed: 1 variant allele.
Comment: PP5, PM2, PVS1

Blueprint Genetics
Classification: Likely pathogenic for CHEK2-related disorders. Last evaluated: 2022-12-06. Review status: criteria provided, single submitter. Criteria: ACMG Guidelines, 2015. Collection method: clinical testing. Allele origin: germline. Affected: yes. Observed: 1 variant allele.

GeneDx
Classification: Pathogenic. Last evaluated: 2017-10-23. Review status: criteria provided, single submitter. Criteria: GeneDx Variant Classification (06012015). Collection method: clinical testing. Allele origin: germline. Affected: yes.
Comment: This pathogenic variant is denoted CHEK2 c.1011C>A at the cDNA level and p.Tyr337Ter (Y337X) at the protein level. The substitution creates a nonsense variant, which changes a Tyrosine to a premature stop codon (TAC>TAA), and is predicted to cause loss of normal protein function through either protein truncation or nonsense-mediated mRNA decay. This variant has been reported in at least one individual undergoing multi-gene panel testing (LaDuca 2017). This variant is considered pathogenic.

Quest Diagnostics Nichols Institute San Juan Capistrano
Classification: Pathogenic. Last evaluated: 2017-07-20. Review status: criteria provided, single submitter. Criteria: Quest Diagnostics criteria. Collection method: clinical testing. Allele origin: germline.

Literature cited by the submitters: PubMed 21876083 (cited by Labcorp Genetics (formerly Invitae), Labcorp); PubMed 24713400 (cited by Labcorp Genetics (formerly Invitae), Labcorp); PubMed 28152038 (cited by Quest Diagnostics Nichols Institute San Juan Capistrano).

NM_007194.4(CHEK2):c.1011C>A (p.Tyr337Ter)

Gene: CHEK2 (checkpoint kinase 2; minus strand). Cytogenetic location: 22q12.1.
Variant type: single nucleotide variant.
Coding change: c.1011C>A on transcript NM_007194.4 (MANE Select); coding-DNA position 1011, C replaced by A.
Protein change: p.Tyr337Ter; replaces tyrosine 337 with a stop codon.
Molecular consequence: nonsense. On other transcripts: intron variant (3).
Genome position (GRCh38, 1-based): chr22:28,696,985, G>T on the plus strand (C>A on the coding strand, the complement: CHEK2 is on the minus strand). VCF-style: chr22-28696985-G-T. GRCh37 (hg19) VCF-style: chr22-29092973-G-T.
Other names: c.1140C>A, p.Tyr380Ter (NM_001005735.3); c.348C>A, p.Tyr116Ter (NM_001257387.3, NM_001437942.1); c.810C>A, p.Tyr270Ter (NM_001349956.3); c.1104C>A, p.Tyr368Ter (NM_001438293.1); c.1009-1112C>A (NM_145862.3); c.1102-1112C>A (NM_001438295.1); c.1138-1112C>A (NM_001438294.1); short protein forms Y337*, Y270*, Y380*, Y116*, Y368*.
Identifiers: ClinVar variation 185370 (VCV000185370.22), dbSNP rs760502479, ClinGen allele CA191748.